The following is an entry in ClinVar:

NM_001793.6(CDH3):c.285C>A (p.Ile95=)

Gene: CDH3 (cadherin 3; plus strand). Cytogenetic location: 16q22.1.
Variant type: single nucleotide variant.
Coding change: c.285C>A on transcript NM_001793.6 (MANE Select); coding-DNA position 285, C replaced by A.
Protein change: p.Ile95=; no amino-acid change (isoleucine 95 retained).
Molecular consequence: synonymous variant.
Genome position (GRCh38, 1-based): chr16:68,678,172, C>A. VCF-style: chr16-68678172-C-A. GRCh37 (hg19) VCF-style: chr16-68712075-C-A.
Other names: c.285C>A, p.Ile95= (NM_001317195.3); c.120C>A, p.Ile40= (NM_001317196.2).
Identifiers: ClinVar variation 744823 (VCV000744823.14), dbSNP rs149093853, ClinGen allele CA8128988.

ClinVar aggregate classification (germline): Likely benign. Review status: criteria provided, multiple submitters, no conflicts (2 of 4 stars). 3 submissions from 3 submitters: Likely benign (2). 1 of the submissions does not count toward it. Last evaluated 2025-11-18.

Conditions:
CDH3-related disorder. Also called: CDH3-related condition.

Allele frequency attached by ClinVar (database versions not stated): ExAC 0.00008; 1000 Genomes Project 0.00020; 1000 Genomes Project 30x 0.00031; ESP Exome Variant Server 0.00031; gnomAD 0.00032 and 0.00037; TOPMed 0.00035.
gnomAD v4.1: 83 of 1,613,834 alleles (0.0051%); highest among the groups gnomAD compares: African/African-American, 0.11%; no homozygotes.

Submissions (3):

Labcorp Genetics (formerly Invitae), Labcorp
Classification: Likely benign. Last evaluated: 2025-11-18. Review status: criteria provided, single submitter. Criteria: Invitae Variant Classification Sherloc (09022015). Collection method: clinical testing. Allele origin: germline.

Blueprint Genetics
Classification: Likely benign. Last evaluated: 2024-06-05. Review status: criteria provided, single submitter. Criteria: ACMG Guidelines, 2015. Collection method: clinical testing. Allele origin: germline.

PreventionGenetics, part of Exact Sciences
Classification: Likely benign for CDH3-related condition. Last evaluated: 2019-03-07. Review status: no assertion criteria provided. Collection method: clinical testing. Allele origin: germline. Not counted in ClinVar's aggregate classification.
Comment: This variant is classified as likely benign based on ACMG/AMP sequence variant interpretation guidelines (Richards et al. 2015 PMID: 25741868, with internal and published modifications).